The following is an entry in ClinVar:

NM_001388453.1(QRICH2):c.2595A>T (p.Gly865=)

Gene: QRICH2 (glutamine rich 2; minus strand). Cytogenetic location: 17q25.1.
Variant type: single nucleotide variant.
Coding change: c.2595A>T on transcript NM_001388453.1 (MANE Select); coding-DNA position 2595, A replaced by T.
Protein change: p.Gly865=; no amino-acid change (glycine 865 retained).
Molecular consequence: synonymous variant.
Genome position (GRCh38, 1-based): chr17:76,292,132, T>A on the plus strand (A>T on the coding strand, the complement: QRICH2 is on the minus strand). VCF-style: chr17-76292132-T-A. GRCh37 (hg19) VCF-style: chr17-74288213-T-A.
Other names: c.2595A>T, p.Gly865= (NM_032134.3).
Identifiers: ClinVar variation 4871939 (VCV004871939.2).

ClinVar aggregate classification (germline): Likely benign (1 of 4 stars; one submission).

Submission:

CeGaT Center for Human Genetics Tuebingen
Classification: Likely benign. Last evaluated: 2026-04-01. Review status: criteria provided, single submitter. Criteria: CeGaT Center For Human Genetics Tuebingen Variant Classification Criteria Version 2. Collection method: clinical testing. Allele origin: germline. Affected: yes. Observed: 1 variant allele.
Comment: QRICH2: BP4, BP7